The following is an entry in ClinVar:

NM_004638.4(PRRC2A):c.5649C>G (p.Pro1883=)

Gene: PRRC2A (proline rich coiled-coil 2A; plus strand). Cytogenetic location: 6p21.33.
Variant type: single nucleotide variant.
Coding change: c.5649C>G on transcript NM_004638.4 (MANE Select); coding-DNA position 5649, C replaced by G.
Protein change: p.Pro1883=; no amino-acid change (proline 1883 retained).
Molecular consequence: synonymous variant.
Genome position (GRCh38, 1-based): chr6:31,636,233, C>G. VCF-style: chr6-31636233-C-G. GRCh37 (hg19) VCF-style: chr6-31604010-C-G.
Other names: c.5649C>G, p.Pro1883= (NM_080686.3).
Identifiers: ClinVar variation 3059883 (VCV003059883.2), dbSNP rs13716, ClinGen allele CA3716603.

ClinVar aggregate classification (germline): Benign (0 of 4 stars; one submission).

Conditions:
PRRC2A-related disorder. Also called: PRRC2A-related condition.

Allele frequency attached by ClinVar (database versions not stated): ESP Exome Variant Server 0.22173; TOPMed 0.23337; 1000 Genomes Project 30x 0.24094; 1000 Genomes Project 0.24521.
gnomAD v4.1: 473,141 of 1,612,106 alleles (29%); highest among the groups gnomAD compares: East Asian, 41%; 74,226 homozygotes.

Submission:

PreventionGenetics, part of Exact Sciences
Classification: Benign for PRRC2A-related condition. Last evaluated: 2019-10-17. Review status: no assertion criteria provided. Collection method: clinical testing. Allele origin: germline.
Comment: This variant is classified as benign based on ACMG/AMP sequence variant interpretation guidelines (Richards et al. 2015 PMID: 25741868, with internal and published modifications).